The following is an entry in ClinVar:

NM_003480.4(MFAP5):c.157G>A (p.Ala53Thr)

Gene: MFAP5 (microfibril associated protein 5; minus strand). Cytogenetic location: 12p13.31.
Variant type: single nucleotide variant.
Coding change: c.157G>A on transcript NM_003480.4 (MANE Select); coding-DNA position 157, G replaced by A.
Protein change: p.Ala53Thr; replaces alanine 53 with threonine.
Molecular consequence: missense variant. On other transcripts: non-coding transcript variant (2).
Genome position (GRCh38, 1-based): chr12:8,655,430, C>T on the plus strand (G>A on the coding strand, the complement: MFAP5 is on the minus strand). VCF-style: chr12-8655430-C-T. GRCh37 (hg19) VCF-style: chr12-8808026-C-T.
Other names: c.157G>A, p.Ala53Thr (NM_001297709.2, NM_001297711.2, NM_001297712.2); c.121G>A, p.Ala41Thr (NM_001297710.2); short protein forms A53T, A41T.
Identifiers: ClinVar variation 390922 (VCV000390922.18), dbSNP rs576618912, ClinGen allele CA6434717.
Genomic context (GRCh38, chr12:8,655,430, plus strand): 5'-TAACAAGAACCATGCCATTTTTTTTTTAACTGCGGTAAAATTTACCTGTTTCATCTGTAG[C>T]GGGATCATTCACCAGATCTGCAAAGACACATAACAAGGAATGAAAAAATGCAGTCAGGAA-3'
Protein context (NP_003471.1, residues 43-63): TEDPNLVNDP[Ala53Thr]TDETVLAVLA

ClinVar aggregate classification (germline): Benign/Likely benign. Review status: criteria provided, multiple submitters, no conflicts (2 of 4 stars). 5 submissions from 5 submitters: Benign (1); Likely benign (3). 1 of the submissions does not count toward it. Last evaluated 2026-01-24.

Conditions:
Cardiovascular phenotype. Identifiers: MedGen CN230736.

Allele frequency attached by ClinVar (database versions not stated): TOPMed 0.00002; gnomAD 0.00003; ExAC 0.00046; 1000 Genomes Project 30x 0.00078; 1000 Genomes Project 0.00080.
gnomAD v4.1: 305 of 1,603,922 alleles (0.019%); highest among the groups gnomAD compares: South Asian, 0.31%; 6 homozygotes.

Submissions (5):

Labcorp Genetics (formerly Invitae), Labcorp
Classification: Likely benign. Last evaluated: 2026-01-24. Review status: criteria provided, single submitter. Criteria: Invitae Variant Classification Sherloc (09022015). Collection method: clinical testing. Allele origin: germline.

Blueprint Genetics
Classification: Likely benign. Last evaluated: 2024-09-12. Review status: criteria provided, single submitter. Criteria: ACMG Guidelines, 2015. Collection method: clinical testing. Allele origin: germline.

Ambry Genetics
Classification: Benign for Cardiovascular phenotype. Last evaluated: 2024-05-22. Review status: criteria provided, single submitter. Criteria: Ambry Variant Classification Scheme 2023. Collection method: clinical testing. Allele origin: germline.

GeneDx
Classification: Likely benign. Last evaluated: 2018-06-27. Review status: criteria provided, single submitter. Criteria: GeneDx Variant Classification Process June 2021. Collection method: clinical testing. Allele origin: germline. Affected: yes.

Department of Pathology and Laboratory Medicine, Sinai Health System
Classification: Likely benign. Review status: no assertion criteria provided. Collection method: clinical testing. Allele origin: unknown. Affected: yes. Study: The Canadian Open Genetics Repository (COGR). Not counted in ClinVar's aggregate classification.
Comment: The MFAP5 p.A53T variant was not identified in the literature but was identified in dbSNP (ID: rs576618912) and ClinVar (classified as likely benign by Invitae and GeneDx). The variant was identified in control databases in 96 of 276120 chromosomes (1 homozygous) at a frequency of 0.0003477, and was observed at the highest frequency in the South Asian population in 94 of 28540 chromosomes (freq: 0.003294) (Genome Aggregation Database March 6, 2019, v2.1.1). The p.A53 residue is not conserved in mammals and computational analyses (MUT Assesor, PolyPhen-2, SIFT, MutationTaster, Revel, MetaLR, DANN) do not suggest a high likelihood of impact to the protein; this information is not predictive enough to rule out pathogenicity. The variant occurs outside of the splicing consensus sequence and in silico or computational prediction software programs (Splice AI exome) do not predict a deleterious effect on splicing. In summary, based on the above information the clinical significance of this variant cannot be determined with certainty at this time although we would lean towards a more benign role for this variant. This variant is classified as likely benign.